The following is an entry in ClinVar:

ClinVar aggregate classification (germline): Uncertain significance (1 of 4 stars; one submission).

Conditions:
GUCY2D-related disorder. Also called: GUCY2D-related condition.

Submission:

PreventionGenetics, part of Exact Sciences
Classification: Uncertain significance for GUCY2D-related condition. Last evaluated: 2025-10-19. Review status: criteria provided, single submitter. Criteria: ACMG Guidelines, 2015. Collection method: clinical testing. Allele origin: germline.
Comment: The GUCY2D c.1094G>C variant is predicted to result in the amino acid substitution p.Arg365Pro. To our knowledge, this variant has not been reported in the literature. This variant is reported in 0.020% of alleles in individuals of Latino descent in gnomAD. At this time, the clinical significance of this variant is uncertain due to the absence of conclusive functional and genetic evidence.

NM_000180.4(GUCY2D):c.1094G>C (p.Arg365Pro)

Gene: GUCY2D (guanylate cyclase 2D, retinal; plus strand). Cytogenetic location: 17p13.1.
Variant type: single nucleotide variant.
Coding change: c.1094G>C on transcript NM_000180.4 (MANE Select); coding-DNA position 1094, G replaced by C.
Protein change: p.Arg365Pro; replaces arginine 365 with proline.
Molecular consequence: missense variant.
Genome position (GRCh38, 1-based): chr17:8,006,430, G>C. VCF-style: chr17-8006430-G-C. GRCh37 (hg19) VCF-style: chr17-7909748-G-C.
Other names: short protein forms R365P.
Identifiers: ClinVar variation 4980926 (VCV004980926.1).
Genomic context (GRCh38, chr17:8,006,430, plus strand): 5'-CACTCTTTGGCACCATCTATGACGCGGTCTTCTTGCTGGCAAGGGGCGTGGCAGAAGCGC[G>C]GGCTGCCGCAGGTGGCAGATGGGTGTCCGGAGCAGCTGTGGCCCGCCACATCCGGGATGC-3'
Protein context (NP_000171.1, residues 355-375): FLLARGVAEA[Arg365Pro]AAAGGRWVSG